The following is an entry in ClinVar:

ClinVar aggregate classification (germline): Uncertain significance (1 of 4 stars; one submission).

Submission:

Labcorp Genetics (formerly Invitae), Labcorp
Classification: Uncertain significance. Last evaluated: 2025-03-17. Review status: criteria provided, single submitter. Criteria: Invitae Variant Classification Sherloc (09022015). Collection method: clinical testing. Allele origin: germline.
Comment: This sequence change replaces tryptophan, which is neutral and slightly polar, with leucine, which is neutral and non-polar, at codon 373 of the TACR3 protein (p.Trp373Leu). This variant is not present in population databases (gnomAD no frequency). This variant has not been reported in the literature in individuals affected with TACR3-related conditions. ClinVar contains an entry for this variant (Variation ID: 1508744). Invitae Evidence Modeling of protein sequence and biophysical properties (such as structural, functional, and spatial information, amino acid conservation, physicochemical variation, residue mobility, and thermodynamic stability) indicates that this missense variant is not expected to disrupt TACR3 protein function with a negative predictive value of 80%. In summary, the available evidence is currently insufficient to determine the role of this variant in disease. Therefore, it has been classified as a Variant of Uncertain Significance.

NM_001059.3(TACR3):c.1118G>T (p.Trp373Leu)

Genes: TACR3 (tachykinin receptor 3; minus strand), TACR3-AS1 (TACR3 antisense RNA 1; plus strand). Cytogenetic location: 4q24.
Variant type: single nucleotide variant.
Coding change: c.1118G>T on transcript NM_001059.3 (MANE Select); coding-DNA position 1118, G replaced by T.
Protein change: p.Trp373Leu; replaces tryptophan 373 with leucine.
Molecular consequence: missense variant.
Genome position (GRCh38, 1-based): chr4:103,589,962, C>A on the plus strand (G>T on the coding strand, the complement: TACR3 is on the minus strand). VCF-style: chr4-103589962-C-A. GRCh37 (hg19) VCF-style: chr4-104511119-C-A.
Other names: short protein forms W373L.
Identifiers: ClinVar variation 1508744 (VCV001508744.6), dbSNP rs1458405524, ClinGen allele CA357962937.